The following is an entry in ClinVar:

NM_153603.4(COG7):c.964G>A (p.Ala322Thr)

Gene: COG7 (component of oligomeric golgi complex 7; minus strand). Cytogenetic location: 16p12.2.
Variant type: single nucleotide variant.
Coding change: c.964G>A on transcript NM_153603.4 (MANE Select); coding-DNA position 964, G replaced by A.
Protein change: p.Ala322Thr; replaces alanine 322 with threonine.
Molecular consequence: missense variant.
Genome position (GRCh38, 1-based): chr16:23,424,794, C>T on the plus strand (G>A on the coding strand, the complement: COG7 is on the minus strand). VCF-style: chr16-23424794-C-T. GRCh37 (hg19) VCF-style: chr16-23436115-C-T.
Other names: short protein forms A322T.
Identifiers: ClinVar variation 1356152 (VCV001356152.4), dbSNP rs201584244, ClinGen allele CA7961126.

ClinVar aggregate classification (germline): Uncertain significance (1 of 4 stars; one submission).

Conditions:
COG7 congenital disorder of glycosylation (CDG2E). Also called: CDG IIe; CONGENITAL DISORDER OF GLYCOSYLATION, TYPE IIe. Identifiers: Orphanet 79333, MedGen C2931010, MONDO:0012118, OMIM 608779.

Allele frequency attached by ClinVar (database versions not stated): ESP Exome Variant Server 0.00008.
gnomAD v4.1: 93 of 1,614,084 alleles (0.0058%); highest among the groups gnomAD compares: Admixed American, 0.04%; no homozygotes.

Submission:

Labcorp Genetics (formerly Invitae), Labcorp
Classification: Uncertain significance for COG7 congenital disorder of glycosylation. Last evaluated: 2023-12-06. Review status: criteria provided, single submitter. Criteria: Invitae Variant Classification Sherloc (09022015). Collection method: clinical testing. Allele origin: germline.
Comment: This sequence change replaces alanine, which is neutral and non-polar, with threonine, which is neutral and polar, at codon 322 of the COG7 protein (p.Ala322Thr). This variant is present in population databases (rs201584244, gnomAD 0.05%). This variant has not been reported in the literature in individuals affected with COG7-related conditions. ClinVar contains an entry for this variant (Variation ID: 1356152). Advanced modeling of protein sequence and biophysical properties (such as structural, functional, and spatial information, amino acid conservation, physicochemical variation, residue mobility, and thermodynamic stability) performed at Invitae indicates that this missense variant is not expected to disrupt COG7 protein function with a negative predictive value of 80%. In summary, the available evidence is currently insufficient to determine the role of this variant in disease. Therefore, it has been classified as a Variant of Uncertain Significance.